The following is an entry in ClinVar:

ClinVar aggregate classification (germline): Uncertain significance. Review status: criteria provided, multiple submitters, no conflicts (2 of 4 stars). 3 submissions from 3 submitters: Uncertain significance (3). Last evaluated 2025-12-16.

Conditions:
Inborn genetic diseases. Identifiers: MedGen C0950123, MeSH D030342.
Hermansky-Pudlak syndrome 3 (HPS3). Identifiers: Orphanet 231512, Orphanet 79430, MedGen C3888001, MONDO:0013555, OMIM 614072.

Allele frequency attached by ClinVar (database versions not stated): gnomAD exomes 0.00001.
gnomAD v4.1: 17 of 1,613,906 alleles (0.0011%); highest among the groups gnomAD compares: South Asian, 0.0055%; 1 homozygote.

Submissions (3):

Labcorp Genetics (formerly Invitae), Labcorp
Classification: Uncertain significance. Last evaluated: 2025-12-16. Review status: criteria provided, single submitter. Criteria: Invitae Variant Classification Sherloc (09022015). Collection method: clinical testing. Allele origin: germline.
Comment: This sequence change replaces histidine, which is basic and polar, with arginine, which is basic and polar, at codon 313 of the HPS3 protein (p.His313Arg). This variant is present in population databases (no rsID available, gnomAD 0.01%), including at least one homozygous and/or hemizygous individual. This variant has not been reported in the literature in individuals affected with HPS3-related conditions. ClinVar contains an entry for this variant (Variation ID: 903119). Invitae Evidence Modeling of protein sequence and biophysical properties (such as structural, functional, and spatial information, amino acid conservation, physicochemical variation, residue mobility, and thermodynamic stability) indicates that this missense variant is expected to disrupt HPS3 protein function with a positive predictive value of 80%. In summary, the available evidence is currently insufficient to determine the role of this variant in disease. Therefore, it has been classified as a Variant of Uncertain Significance.

Ambry Genetics
Classification: Uncertain significance for Inborn genetic diseases. Last evaluated: 2025-10-17. Review status: criteria provided, single submitter. Criteria: Ambry Variant Classification Scheme 2023. Collection method: clinical testing. Allele origin: germline.

Illumina Laboratory Services, Illumina
Classification: Uncertain significance for Hermansky-Pudlak syndrome 3. Last evaluated: 2018-01-13. Review status: criteria provided, single submitter. Criteria: ICSL Variant Classification Criteria 13 December 2019. Collection method: clinical testing. Allele origin: germline.

NM_032383.5(HPS3):c.938A>G (p.His313Arg)

Gene: HPS3 (HPS3 biogenesis of lysosomal organelles complex 2 subunit 1; plus strand). Cytogenetic location: 3q24.
Variant type: single nucleotide variant.
Coding change: c.938A>G on transcript NM_032383.5 (MANE Select); coding-DNA position 938, A replaced by G.
Protein change: p.His313Arg; replaces histidine 313 with arginine.
Molecular consequence: missense variant.
Genome position (GRCh38, 1-based): chr3:149,141,348, A>G. VCF-style: chr3-149141348-A-G. GRCh37 (hg19) VCF-style: chr3-148859135-A-G.
Other names: c.443A>G, p.His148Arg (NM_001308258.2); short protein forms H148R, H313R.
Identifiers: ClinVar variation 903119 (VCV000903119.6), dbSNP rs910569690, ClinGen allele CA85494364.
Genomic context (GRCh38, chr3:149,141,348, plus strand): 5'-CCCACAGACGTTTTGCTCCTGATATTTCGTCCTATGTCTTGTCTGATGACATCAAGCTAC[A>G]TTCCCTCCAGCTGCTACCCATTTACCAGACCGGTAAGCATGACAGTGCAGGAGTGCGACA-3'
Protein context (NP_115759.2, residues 303-323): SYVLSDDIKL[His313Arg]SLQLLPIYQT